The following is an entry in ClinVar:

ClinVar aggregate classification (germline): Conflicting classifications of pathogenicity. Review status: criteria provided, conflicting classifications (1 of 4 stars). 3 submissions from 3 submitters: Uncertain significance (2); Likely benign (1). Last evaluated 2026-01-26.

Conditions:
Congenital contractural arachnodactyly (CCA). Also called: BEALS SYNDROME; Beals-Hecht syndrome; Arthrogryposis, distal, type 9. Identifiers: Orphanet 115, MedGen C0220668, MONDO:0007363, OMIM 121050.
Familial thoracic aortic aneurysm and aortic dissection (TAAD). Also called: Thoracic aortic aneurysms and dissections. Identifiers: Orphanet 91387, MedGen C4707243, MONDO:0019625.

gnomAD v4.1: 16 of 1,613,966 alleles (0.00099%); highest among the groups gnomAD compares: South Asian, 0.0011%; no homozygotes.

Submissions (3):

Women's Health and Genetics/Laboratory Corporation of America, LabCorp
Classification: Uncertain significance. Last evaluated: 2026-01-26. Review status: criteria provided, single submitter. Criteria: LabCorp Variant Classification Summary - May 2015. Collection method: clinical testing. Allele origin: germline.
Comment: Variant summary: FBN2 c.3302A>G (p.Asn1101Ser) results in a conservative amino acid change in the encoded protein sequence. Algorithms developed to predict the effect of missense changes on protein structure and function are either unavailable or do not agree on the potential impact of this missense change. The variant allele was found at a frequency of 4e-06 in 251428 control chromosomes. The available data on variant occurrences in the general population are insufficient to allow any conclusion about variant significance. c.3302A>G has been observed in an individual with suspected Marfan syndrome and with aortic root aneurysm (Wooderchak-Donahue_2015). These data do not allow any conclusion about variant significance. To our knowledge, no experimental evidence demonstrating an impact on protein function has been reported. The following publication has been ascertained in the context of this evaluation (PMID: 25944730). ClinVar contains an entry for this variant (Variation ID: 3666773). Based on the evidence outlined above, the variant was classified as uncertain significance.

Ambry Genetics
Classification: Uncertain significance for Familial thoracic aortic aneurysm and aortic dissection. Last evaluated: 2025-11-20. Review status: criteria provided, single submitter. Criteria: Ambry Variant Classification Scheme 2023. Collection method: clinical testing. Allele origin: germline.
Comment: The p.N1101S variant (also known as c.3302A>G), located in coding exon 25 of the FBN2 gene, results from an A to G substitution at nucleotide position 3302. The asparagine at codon 1101 is replaced by serine, an amino acid with highly similar properties. This variant was reported in individual(s) reported to have a diagnosis of Marfan syndrome, aortic root aneurysm and musculoskeletal findings (Wooderchak-Donahue W et al. Am J Med Genet A. 2015 Aug;167A(8):1747-57). This amino acid position is not well conserved in available vertebrate species. In addition, this alteration is predicted to be tolerated by in silico analysis. Based on the available evidence, the clinical significance of this variant remains unclear.

Labcorp Genetics (formerly Invitae), Labcorp
Classification: Likely benign for Congenital contractural arachnodactyly. Last evaluated: 2024-08-06. Review status: criteria provided, single submitter. Criteria: Invitae Variant Classification Sherloc (09022015). Collection method: clinical testing. Allele origin: germline.

Literature cited by the submitters: PubMed 25944730 (cited by Women's Health and Genetics/Laboratory Corporation of America, LabCorp and Ambry Genetics).

NM_001999.4(FBN2):c.3302A>G (p.Asn1101Ser)

Gene: FBN2 (fibrillin 2; minus strand). Cytogenetic location: 5q23.3.
Variant type: single nucleotide variant.
Coding change: c.3302A>G on transcript NM_001999.4 (MANE Select); coding-DNA position 3302, A replaced by G.
Protein change: p.Asn1101Ser; replaces asparagine 1101 with serine.
Molecular consequence: missense variant.
Genome position (GRCh38, 1-based): chr5:128,344,426, T>C on the plus strand (A>G on the coding strand, the complement: FBN2 is on the minus strand). VCF-style: chr5-128344426-T-C. GRCh37 (hg19) VCF-style: chr5-127680118-T-C.
Other names: c.3302A>G (NM_001999.3); short protein forms N1101S.
Identifiers: ClinVar variation 3666773 (VCV003666773.4).